The following is an entry in ClinVar:

ClinVar aggregate classification (germline): Uncertain significance (1 of 4 stars; one submission).

Submission:

GeneDx
Classification: Uncertain significance. Last evaluated: 2018-12-03. Review status: criteria provided, single submitter. Criteria: GeneDx Variant Classification Process June 2021. Collection method: clinical testing. Allele origin: germline. Affected: yes.
Comment: Not observed in large population cohorts (Lek et al., 2016); In silico analysis, which includes protein predictors and evolutionary conservation, supports a deleterious effect; Has not been previously published as pathogenic or benign to our knowledge

NM_006218.4(PIK3CA):c.1843G>T (p.Ala615Ser)

Gene: PIK3CA (phosphatidylinositol-4,5-bisphosphate 3-kinase catalytic subunit alpha; plus strand). Cytogenetic location: 3q26.32.
Variant type: single nucleotide variant.
Coding change: c.1843G>T on transcript NM_006218.4 (MANE Select); coding-DNA position 1843, G replaced by T.
Protein change: p.Ala615Ser; replaces alanine 615 with serine.
Molecular consequence: missense variant.
Genome position (GRCh38, 1-based): chr3:179,219,667, G>T. VCF-style: chr3-179219667-G-T. GRCh37 (hg19) VCF-style: chr3-178937455-G-T.
Other names: short protein forms A615S.
Identifiers: ClinVar variation 1304385 (VCV001304385.2), dbSNP rs2108410990, ClinGen allele CA355266544.
Genomic context (GRCh38, chr3:179,219,667, plus strand): 5'-CCTGAACAGGCTATGGAACTTCTGGACTGTAATTACCCAGATCCTATGGTTCGAGGTTTT[G>T]CTGTTCGGTGCTTGGAAAAATATTTAACAGATGACAAACTTTCTCAGTATTTAATTCAGC-3'
Protein context (NP_006209.2, residues 605-625): NYPDPMVRGF[Ala615Ser]VRCLEKYLTD